The following is an entry in ClinVar:

NM_004260.4(RECQL4):c.1598T>G (p.Leu533Arg)

Gene: RECQL4 (RecQ like helicase 4; minus strand). Cytogenetic location: 8q24.3.
Variant type: single nucleotide variant.
Coding change: c.1598T>G on transcript NM_004260.4 (MANE Select); coding-DNA position 1598, T replaced by G.
Protein change: p.Leu533Arg; replaces leucine 533 with arginine.
Molecular consequence: missense variant. On other transcripts: non-coding transcript variant (3).
Genome position (GRCh38, 1-based): chr8:144,514,958, A>C on the plus strand (T>G on the coding strand, the complement: RECQL4 is on the minus strand). VCF-style: chr8-144514958-A-C. GRCh37 (hg19) VCF-style: chr8-145740342-A-C.
Other names: c.527T>G, p.Leu176Arg (NM_001413037.1, NM_001413038.1, NM_001413040.1 and 7 more transcripts); c.1568T>G, p.Leu523Arg (NM_001413039.1); c.461T>G, p.Leu154Arg (NM_001413041.1, NM_001413027.1, NM_001413030.1 and 2 more transcripts); c.497T>G, p.Leu166Arg (NM_001413042.1); c.131T>G, p.Leu44Arg (NM_001413043.1); c.1502T>G, p.Leu501Arg (NM_001413017.1, NM_001413020.1); c.1598T>G, p.Leu533Arg (NM_001413018.1, NM_001413019.1, NM_001413033.1 and 1 more transcripts); c.1469T>G, p.Leu490Arg (NM_001413025.1); and 1 more; short protein forms L44R, L490R, L533R, L154R, L166R, L523R, L416R, L176R.
Identifiers: ClinVar variation 4717770 (VCV004717770.1).
Genomic context (GRCh38, chr8:144,514,958, plus strand): 5'-TTGGCTGTGTACGTGTGCCCAGGGCCCTGTGTGCACACCTGGTCATCCATGAGTGACAGC[A>C]GGGGAGAGACGACCAACGTGAGGCAGGGGCTGCGCCGGCTGTAGAGCAGCGCTGGGAGCT-3'
Protein context (NP_004251.4, residues 523-543): SPCLTLVVSP[Leu533Arg]LSLMDDQVSG

ClinVar aggregate classification (germline): Uncertain significance (1 of 4 stars; one submission).

Conditions:
Baller-Gerold syndrome (BGS). Also called: CRANIOSYNOSTOSIS WITH RADIAL DEFECTS. Identifiers: Orphanet 1225, MedGen C0265308, MONDO:0009039, OMIM 218600.

Submission:

Labcorp Genetics (formerly Invitae), Labcorp
Classification: Uncertain significance for Baller-Gerold syndrome. Last evaluated: 2025-02-18. Review status: criteria provided, single submitter. Criteria: Invitae Variant Classification Sherloc (09022015). Collection method: clinical testing. Allele origin: germline.
Comment: This sequence change replaces leucine, which is neutral and non-polar, with arginine, which is basic and polar, at codon 533 of the RECQL4 protein (p.Leu533Arg). This variant is not present in population databases (gnomAD no frequency). This variant has not been reported in the literature in individuals affected with RECQL4-related conditions. Invitae Evidence Modeling of protein sequence and biophysical properties (such as structural, functional, and spatial information, amino acid conservation, physicochemical variation, residue mobility, and thermodynamic stability) indicates that this missense variant is expected to disrupt RECQL4 protein function with a positive predictive value of 80%. In summary, the available evidence is currently insufficient to determine the role of this variant in disease. Therefore, it has been classified as a Variant of Uncertain Significance.